The following is an entry in ClinVar:

NM_001844.5(COL2A1):c.1759C>T (p.Pro587Ser)

Gene: COL2A1 (collagen type II alpha 1 chain; minus strand). Cytogenetic location: 12q13.11.
Variant type: single nucleotide variant.
Coding change: c.1759C>T on transcript NM_001844.5 (MANE Select); coding-DNA position 1759, C replaced by T.
Protein change: p.Pro587Ser; replaces proline 587 with serine.
Molecular consequence: missense variant.
Genome position (GRCh38, 1-based): chr12:47,985,069, G>A on the plus strand (C>T on the coding strand, the complement: COL2A1 is on the minus strand). VCF-style: chr12-47985069-G-A. GRCh37 (hg19) VCF-style: chr12-48378852-G-A.
Other names: c.1552C>T, p.Pro518Ser (NM_033150.3); c.1759C>T (NM_001844.4); short protein forms P518S, P587S.
Identifiers: ClinVar variation 3013172 (VCV003013172.4), dbSNP rs750049178, ClinGen allele CA6535379.
Genomic context (GRCh38, chr12:47,985,069, plus strand): 5'-GGCCAGGGAAACCCATGACACCAGGCTGCCCACGAGCCCCCTGAGGACCTGGAGGTCCAG[G>A]ACGACCATCTTCACCAGGGGCTCCCTGAAAGACAGAACACCATTCTCAGAACATAGACAC-3'
Protein context (NP_001835.3, residues 577-597): PSGAPGEDGR[Pro587Ser]GPPGPQGARG

ClinVar aggregate classification (germline): Uncertain significance. Review status: criteria provided, multiple submitters, no conflicts (2 of 4 stars). 2 submissions from 2 submitters: Uncertain significance (2). Last evaluated 2025-06-30.

Conditions:
Inborn genetic diseases. Identifiers: MedGen C0950123, MeSH D030342.

Allele frequency attached by ClinVar (database versions not stated): ExAC 0.00001; gnomAD exomes 0.00001.
gnomAD v4.1: 9 of 1,613,784 alleles (0.00056%); highest among the groups gnomAD compares: Non-Finnish European, 0.00076%; no homozygotes.

Submissions (2):

Ambry Genetics
Classification: Uncertain significance for Inborn genetic diseases. Last evaluated: 2025-06-30. Review status: criteria provided, single submitter. Criteria: Ambry Variant Classification Scheme 2023. Collection method: clinical testing. Allele origin: germline.

Labcorp Genetics (formerly Invitae), Labcorp
Classification: Uncertain significance. Last evaluated: 2022-11-12. Review status: criteria provided, single submitter. Criteria: Invitae Variant Classification Sherloc (09022015). Collection method: clinical testing. Allele origin: germline.
Comment: In summary, the available evidence is currently insufficient to determine the role of this variant in disease. Therefore, it has been classified as a Variant of Uncertain Significance. Advanced modeling of protein sequence and biophysical properties (such as structural, functional, and spatial information, amino acid conservation, physicochemical variation, residue mobility, and thermodynamic stability) performed at Invitae indicates that this missense variant is not expected to disrupt COL2A1 protein function. This variant has not been reported in the literature in individuals affected with COL2A1-related conditions. The frequency data for this variant in the population databases is considered unreliable, as metrics indicate poor data quality at this position in the gnomAD database. This sequence change replaces proline, which is neutral and non-polar, with serine, which is neutral and polar, at codon 587 of the COL2A1 protein (p.Pro587Ser).